The following is an entry in ClinVar:

ClinVar aggregate classification (germline): Uncertain significance (1 of 4 stars; one submission).

Conditions:
Cohen syndrome (COH1). Also called: Cutis verticis gyrata, retinitis pigmentosa, and sensorineural deafness; PEPPER SYNDROME. Identifiers: Orphanet 193, MedGen C0265223, MONDO:0008999, OMIM 216550.

Submission:

Labcorp Genetics (formerly Invitae), Labcorp
Classification: Uncertain significance for Cohen syndrome. Last evaluated: 2023-08-24. Review status: criteria provided, single submitter. Criteria: Invitae Variant Classification Sherloc (09022015). Collection method: clinical testing. Allele origin: germline.
Comment: ClinVar contains an entry for this variant (Variation ID: 2088107). In summary, the available evidence is currently insufficient to determine the role of this variant in disease. Therefore, it has been classified as a Variant of Uncertain Significance. Advanced modeling of protein sequence and biophysical properties (such as structural, functional, and spatial information, amino acid conservation, physicochemical variation, residue mobility, and thermodynamic stability) performed at Invitae indicates that this missense variant is expected to disrupt VPS13B protein function. This variant has not been reported in the literature in individuals affected with VPS13B-related conditions. This variant is not present in population databases (gnomAD no frequency). This sequence change replaces leucine, which is neutral and non-polar, with proline, which is neutral and non-polar, at codon 3926 of the VPS13B protein (p.Leu3926Pro).

NM_152564.5(VPS13B):c.11702T>C (p.Leu3901Pro)

Gene: VPS13B (vacuolar protein sorting 13 homolog B; plus strand). Cytogenetic location: 8q22.2.
Variant type: single nucleotide variant.
Coding change: c.11702T>C on transcript NM_152564.5 (MANE Select); coding-DNA position 11702, T replaced by C.
Protein change: p.Leu3901Pro; replaces leucine 3901 with proline.
Molecular consequence: missense variant.
Genome position (GRCh38, 1-based): chr8:99,871,654, T>C. VCF-style: chr8-99871654-T-C. GRCh37 (hg19) VCF-style: chr8-100883882-T-C.
Other names: c.11777T>C, p.Leu3926Pro (NM_017890.5); short protein forms L3926P, L3901P.
Identifiers: ClinVar variation 2088107 (VCV002088107.4), dbSNP rs2492378198, ClinGen allele CA371794949.